The following is an entry in ClinVar:

ClinVar aggregate classification (germline): Benign/Likely benign. Review status: criteria provided, multiple submitters, no conflicts (2 of 4 stars). 8 submissions from 8 submitters: Benign (5); Likely benign (1). 2 of the submissions do not count toward it. Last evaluated 2026-02-04.

Conditions:
Inborn genetic diseases. Identifiers: MedGen C0950123, MeSH D030342.
NSUN2-related disorder. Also called: NSUN2-related condition.
Intellectual developmental disorder, autosomal recessive 5. Also called: Intellectual disability, autosomal recessive 5. Identifiers: Orphanet 88616, MedGen C1970199, MONDO:0012613, OMIM 611091.

Allele frequency attached by ClinVar (database versions not stated): ESP Exome Variant Server 0.15439; TOPMed 0.16023; gnomAD 0.16076 and 0.17015; gnomAD exomes 0.20579 and 0.21457; 1000 Genomes Project 30x 0.20940; ExAC 0.21529; 1000 Genomes Project 0.22204.
gnomAD v4.1: 326,215 of 1,611,756 alleles (20%); highest among the groups gnomAD compares: East Asian, 42%; 35,911 homozygotes.

Submissions (23):

Labcorp Genetics (formerly Invitae), Labcorp
Classification: Benign. Last evaluated: 2026-02-04. Review status: criteria provided, single submitter. Criteria: Invitae Variant Classification Sherloc (09022015). Collection method: clinical testing. Allele origin: germline.

Blueprint Genetics
Classification: Likely benign. Last evaluated: 2024-11-26. Review status: criteria provided, single submitter. Criteria: ACMG Guidelines, 2015. Collection method: clinical testing. Allele origin: germline.

GeneDx
Classification: Benign. Last evaluated: 2018-10-01. Review status: criteria provided, single submitter. Criteria: GeneDx Variant Classification (06012015). Collection method: clinical testing. Allele origin: germline. Affected: yes.

Illumina Laboratory Services, Illumina
Classification: Benign for Intellectual developmental disorder, autosomal recessive 5. Last evaluated: 2018-01-12. Review status: criteria provided, single submitter. Criteria: ICSL Variant Classification Criteria 13 December 2019. Collection method: clinical testing. Allele origin: germline.
Comment: This variant was observed in the ICSL laboratory as part of a predisposition screen in an ostensibly healthy population. It had not been previously curated by ICSL or reported in the Human Gene Mutation Database (HGMD: prior to June 1st, 2018), and was therefore a candidate for classification through an automated scoring system. Utilizing variant allele frequency, disease prevalence and penetrance estimates, and inheritance mode, an automated score was calculated to assess if this variant is too frequent to cause the disease. Based on the score and internal cut-off values, a variant classified as benign is not then subjected to further curation. The score for this variant resulted in a classification of benign for this disease.

Ambry Genetics
Classification: Benign for Inborn genetic diseases. Last evaluated: 2016-03-13. Review status: criteria provided, single submitter. Criteria: Ambry Variant Classification Scheme 2023. Collection method: clinical testing. Allele origin: germline.

Breakthrough Genomics
Classification: Benign. Review status: criteria provided, single submitter. Criteria: ACMG Guidelines, 2015. Collection method: not provided. Allele origin: germline. Inheritance: Autosomal recessive inheritance. Affected: yes.

PreventionGenetics, part of Exact Sciences
Classification: Benign for NSUN2-related condition. Last evaluated: 2019-03-25. Review status: no assertion criteria provided. Collection method: clinical testing. Allele origin: germline. Not counted in ClinVar's aggregate classification.
Comment: This variant is classified as benign based on ACMG/AMP sequence variant interpretation guidelines (Richards et al. 2015 PMID: 25741868, with internal and published modifications).

Dr. Peter K. Rogan Lab, Western University
No classification provided (evidence only). Condition: Uterine carcinosarcoma. Review status: no classification provided. Collection method: in vitro. Allele origin: not applicable. Functional consequence: retained intron. Not counted in ClinVar's aggregate classification.

Dr. Peter K. Rogan Lab, Western University
No classification provided (evidence only). Condition: Uterine carcinosarcoma. Review status: no classification provided. Collection method: in vitro. Allele origin: not applicable. Functional consequence: retained intron. Not counted in ClinVar's aggregate classification.

Dr. Peter K. Rogan Lab, Western University
No classification provided (evidence only). Condition: Uterine carcinosarcoma. Review status: no classification provided. Collection method: in vitro. Allele origin: not applicable. Functional consequence: retained intron. Not counted in ClinVar's aggregate classification.

Dr. Peter K. Rogan Lab, Western University
No classification provided (evidence only). Condition: Uterine carcinosarcoma. Review status: no classification provided. Collection method: in vitro. Allele origin: not applicable. Functional consequence: retained intron. Not counted in ClinVar's aggregate classification.

Dr. Peter K. Rogan Lab, Western University
No classification provided (evidence only). Condition: Uterine carcinosarcoma. Review status: no classification provided. Collection method: in vitro. Allele origin: not applicable. Functional consequence: retained intron. Not counted in ClinVar's aggregate classification.

Dr. Peter K. Rogan Lab, Western University
No classification provided (evidence only). Condition: Uterine carcinosarcoma. Review status: no classification provided. Collection method: in vitro. Allele origin: not applicable. Functional consequence: retained intron. Not counted in ClinVar's aggregate classification.

Dr. Peter K. Rogan Lab, Western University
No classification provided (evidence only). Condition: Uterine carcinosarcoma. Review status: no classification provided. Collection method: in vitro. Allele origin: not applicable. Functional consequence: retained intron. Not counted in ClinVar's aggregate classification.

Dr. Peter K. Rogan Lab, Western University
No classification provided (evidence only). Condition: Uterine carcinosarcoma. Review status: no classification provided. Collection method: in vitro. Allele origin: not applicable. Functional consequence: retained intron. Not counted in ClinVar's aggregate classification.

Dr. Peter K. Rogan Lab, Western University
No classification provided (evidence only). Condition: Uterine carcinosarcoma. Review status: no classification provided. Collection method: in vitro. Allele origin: not applicable. Functional consequence: retained intron. Not counted in ClinVar's aggregate classification.

Dr. Peter K. Rogan Lab, Western University
No classification provided (evidence only). Condition: Uterine carcinosarcoma. Review status: no classification provided. Collection method: in vitro. Allele origin: not applicable. Functional consequence: retained intron. Not counted in ClinVar's aggregate classification.

Dr. Peter K. Rogan Lab, Western University
No classification provided (evidence only). Condition: Uterine carcinosarcoma. Review status: no classification provided. Collection method: in vitro. Allele origin: not applicable. Functional consequence: retained intron. Not counted in ClinVar's aggregate classification.

Dr. Peter K. Rogan Lab, Western University
No classification provided (evidence only). Condition: Uterine carcinosarcoma. Review status: no classification provided. Collection method: in vitro. Allele origin: not applicable. Functional consequence: retained intron. Not counted in ClinVar's aggregate classification.

Dr. Peter K. Rogan Lab, Western University
No classification provided (evidence only). Condition: Uterine carcinosarcoma. Review status: no classification provided. Collection method: in vitro. Allele origin: not applicable. Functional consequence: retained intron. Not counted in ClinVar's aggregate classification.

Dr. Peter K. Rogan Lab, Western University
No classification provided (evidence only). Condition: Uterine carcinosarcoma. Review status: no classification provided. Collection method: in vitro. Allele origin: not applicable. Functional consequence: retained intron. Not counted in ClinVar's aggregate classification.

Dr. Peter K. Rogan Lab, Western University
No classification provided (evidence only). Condition: Uterine carcinosarcoma. Review status: no classification provided. Collection method: in vitro. Allele origin: not applicable. Functional consequence: retained intron. Not counted in ClinVar's aggregate classification.

Genetic Services Laboratory, University of Chicago
Classification: Likely benign for AllHighlyPenetrant. Review status: no assertion criteria provided. Collection method: clinical testing. Allele origin: germline. Inheritance: Autosomal recessive inheritance. Not counted in ClinVar's aggregate classification.
Comment: Likely benign based on allele frequency in 1000 Genomes Project or ESP global frequency and its presence in a patient with a rare or unrelated disease phenotype. NOT Sanger confirmed.

NM_017755.6(NSUN2):c.1749G>A (p.Thr583=)

Gene: NSUN2 (NOP2/Sun RNA methyltransferase 2; minus strand). Cytogenetic location: 5p15.31.
Variant type: single nucleotide variant.
Coding change: c.1749G>A on transcript NM_017755.6 (MANE Select); coding-DNA position 1749, G replaced by A.
Protein change: p.Thr583=; no amino-acid change (threonine 583 retained).
Molecular consequence: synonymous variant. On other transcripts: non-coding transcript variant (1).
Genome position (GRCh38, 1-based): chr5:6,604,674, C>T on the plus strand (G>A on the coding strand, the complement: NSUN2 is on the minus strand). VCF-style: chr5-6604674-C-T. GRCh37 (hg19) VCF-style: chr5-6604787-C-T.
Other names: c.1644G>A, p.Thr548= (NM_001193455.2).
Identifiers: ClinVar variation 129838 (VCV000129838.27), dbSNP rs13181449, ClinGen allele CA154164.